The following is an entry in ClinVar:

NM_170707.4(LMNA):c.1654G>A (p.Asp552Asn)

Gene: LMNA (lamin A/C; plus strand). Cytogenetic location: 1q22.
Variant type: single nucleotide variant.
Coding change: c.1654G>A on transcript NM_170707.4 (MANE Select); coding-DNA position 1654, G replaced by A.
Protein change: p.Asp552Asn; replaces aspartic acid 552 with asparagine.
Molecular consequence: missense variant. On other transcripts: intron variant (1).
Genome position (GRCh38, 1-based): chr1:156,137,699, G>A. VCF-style: chr1-156137699-G-A. GRCh37 (hg19) VCF-style: chr1-156107490-G-A.
Other names: c.1318G>A, p.Asp440Asn (NM_001257374.3); c.1411G>A, p.Asp471Asn (NM_001282624.2); c.1654G>A, p.Asp552Asn (NM_001282625.2, NM_001282626.2, NM_005572.4); c.1608+467G>A (NM_170708.4); short protein forms D552N, D440N, D471N.
Identifiers: ClinVar variation 1345741 (VCV001345741.7), dbSNP rs2102898356, ClinGen allele CA342825560.

ClinVar aggregate classification (germline): Uncertain significance. Review status: criteria provided, multiple submitters, no conflicts (2 of 4 stars). 2 submissions from 2 submitters: Uncertain significance (2). Last evaluated 2024-03-05.

Conditions:
Charcot-Marie-Tooth disease type 2. Also called: Charcot-Marie-Tooth type 2. Identifiers: Orphanet 64746, MedGen C0270914, MONDO:0018993.
Primary dilated cardiomyopathy (DCM). Also called: Dilated Cardiomyopathy. Identifiers: Orphanet 217604, MedGen C0007193, MeSH D002311, MONDO:0005021, HP:0001644. Inheritance: Various modes of inheritance.

Allele frequency attached by ClinVar (database versions not stated): gnomAD exomes below 0.00001.
gnomAD v4.1: 1 of 1,556,264 alleles (0.000064%); highest among the groups gnomAD compares: Non-Finnish European, 0.000087%; no homozygotes.

Submissions (2):

All of Us Research Program, National Institutes of Health
Classification: Uncertain significance for Primary dilated cardiomyopathy. Last evaluated: 2024-03-05. Review status: criteria provided, single submitter. Criteria: ACMG Guidelines, 2015. Collection method: clinical testing. Allele origin: germline. Inheritance: Autosomal dominant inheritance. Observed: 1 variant allele, 1 heterozygote.
Comment: This study involves interpretation of variants in research participants for the purpose of population health screening. Participant phenotype was not available at the time of variant classification. Additional details can be found in publication PMID: 35346344, PMCID: PMC8962531

Labcorp Genetics (formerly Invitae), Labcorp
Classification: Uncertain significance for Charcot-Marie-Tooth disease type 2. Last evaluated: 2023-12-14. Review status: criteria provided, single submitter. Criteria: Invitae Variant Classification Sherloc (09022015). Collection method: clinical testing. Allele origin: germline.
Comment: This sequence change replaces aspartic acid, which is acidic and polar, with asparagine, which is neutral and polar, at codon 552 of the LMNA protein (p.Asp552Asn). This variant is not present in population databases (gnomAD no frequency). This variant has not been reported in the literature in individuals affected with LMNA-related conditions. ClinVar contains an entry for this variant (Variation ID: 1345741). Advanced modeling of protein sequence and biophysical properties (such as structural, functional, and spatial information, amino acid conservation, physicochemical variation, residue mobility, and thermodynamic stability) performed at Invitae indicates that this missense variant is expected to disrupt LMNA protein function with a positive predictive value of 95%. In summary, the available evidence is currently insufficient to determine the role of this variant in disease. Therefore, it has been classified as a Variant of Uncertain Significance.